The following is an entry in ClinVar:

NM_001267550.2(TTN):c.49241A>G (p.Lys16414Arg)

Genes: TTN (titin; minus strand), TTN-AS1 (TTN antisense RNA 1; plus strand), LOC126806426 (BRD4-independent group 4 enhancer GRCh37_chr2:179478848-179480047; plus strand). Cytogenetic location: 2q31.2.
Variant type: single nucleotide variant.
Coding change: c.49241A>G on transcript NM_001267550.2 (MANE Select); coding-DNA position 49241, A replaced by G.
Protein change: p.Lys16414Arg; replaces lysine 16414 with arginine.
Molecular consequence: missense variant. On other transcripts: non-coding transcript variant (1).
Genome position (GRCh38, 1-based): chr2:178,614,156, T>C on the plus strand (A>G on the coding strand, the complement: TTN is on the minus strand). VCF-style: chr2-178614156-T-C. GRCh37 (hg19) VCF-style: chr2-179478883-T-C.
Other names: c.44318A>G, p.Lys14773Arg (NM_001256850.1); c.22046A>G, p.Lys7349Arg (NM_003319.4); c.41537A>G, p.Lys13846Arg (NM_133378.4); c.22421A>G, p.Lys7474Arg (NM_133432.3); c.22622A>G, p.Lys7541Arg (NM_133437.4); short protein forms K16414R, K13846R, K7349R, K7474R, K7541R, K14773R.
Identifiers: ClinVar variation 467212 (VCV000467212.4), dbSNP rs1329659749, ClinGen allele CA349605863.

ClinVar aggregate classification (germline): Conflicting classifications of pathogenicity. Review status: criteria provided, conflicting classifications (1 of 4 stars). 2 submissions from 2 submitters: Uncertain significance (1); Likely benign (1). Last evaluated 2026-09-21.

Conditions:
Dilated cardiomyopathy 1G (CMD1G). Identifiers: Orphanet 154, MedGen C1858763, MONDO:0011400, OMIM 604145.
Autosomal recessive limb-girdle muscular dystrophy type 2J (LGMDR10). Also called: Limb-girdle muscular dystrophy, type 2J; MUSCULAR DYSTROPHY, LIMB-GIRDLE, AUTOSOMAL RECESSIVE 10. Identifiers: Orphanet 140922, MedGen C1837342, MONDO:0012127, OMIM 608807.

Allele frequency attached by ClinVar (database versions not stated): gnomAD exomes below 0.00001.
gnomAD v4.1: 4 of 1,612,512 alleles (0.00025%); highest among the groups gnomAD compares: Admixed American, 0.0033%; no homozygotes.

Submissions (2):

Molecular Diagnostic Laboratory for Inherited Cardiovascular Disease, Montreal Heart Institute
Classification: Likely benign. Last evaluated: 2026-09-21. Review status: criteria provided, single submitter. Criteria: ACMG Guidelines, 2015. Collection method: clinical testing. Allele origin: germline. Affected: no.
Comment: BP1

Labcorp Genetics (formerly Invitae), Labcorp
Classification: Uncertain significance for Dilated cardiomyopathy 1G; Autosomal recessive limb-girdle muscular dystrophy type 2J. Last evaluated: 2017-06-05. Review status: criteria provided, single submitter. Criteria: Invitae Variant Classification Sherloc (09022015). Collection method: clinical testing. Allele origin: germline.